The following is an entry in ClinVar:

NM_001146079.2(CLDN14):c.565G>T (p.Ala189Ser)

Genes: CLDN14-AS1 (CLDN14 antisense RNA 1; plus strand), CLDN14 (claudin 14; minus strand). Cytogenetic location: 21q22.13.
Variant type: single nucleotide variant.
Coding change: c.565G>T on transcript NM_001146079.2 (MANE Select); coding-DNA position 565, G replaced by T.
Protein change: p.Ala189Ser; replaces alanine 189 with serine.
Molecular consequence: missense variant.
Genome position (GRCh38, 1-based): chr21:36,461,131, C>A on the plus strand (G>T on the coding strand, the complement: CLDN14 is on the minus strand). VCF-style: chr21-36461131-C-A. GRCh37 (hg19) VCF-style: chr21-37833429-C-A.
Other names: c.565G>T, p.Ala189Ser (NM_001146077.2, NM_001146078.3, NM_012130.4 and 1 more transcripts); short protein forms A189S.
Identifiers: ClinVar variation 3774788 (VCV003774788.1).
Genomic context (GRCh38, chr21:36,461,131, plus strand): 5'-GTGCGGTGTTTGCAGTGGTCGTGGTGGCCCTGGGCGGGGCCTGGTAGGGCCTGTAGGGTG[C>A]CTCGTCCTGGCAGGACAGGCAAAGCAGGGTGCCACCAATGAGCGAGAGGGACGAGGAGAT-3'
Protein context (NP_001139551.1, residues 179-199): TLLCLSCQDE[Ala189Ser]PYRPYQAPPR

ClinVar aggregate classification (germline): Uncertain significance (1 of 4 stars; one submission).

Submission:

GeneDx
Classification: Uncertain significance. Last evaluated: 2024-09-30. Review status: criteria provided, single submitter. Criteria: GeneDx Variant Classification Process June 2021. Collection method: clinical testing. Allele origin: germline. Affected: yes.
Comment: Not observed at significant frequency in large population cohorts (gnomAD); In silico analysis indicates that this missense variant does not alter protein structure/function; Has not been previously published as pathogenic or benign to our knowledge